The following is an entry in ClinVar:

ClinVar aggregate classification (germline): Uncertain significance. Review status: criteria provided, multiple submitters, no conflicts (2 of 4 stars). 2 submissions from 2 submitters: Uncertain significance (2). Last evaluated 2022-04-07.

Allele frequency attached by ClinVar (database versions not stated): TOPMed below 0.00001; ExAC 0.00001.
gnomAD v4.1: 3 of 1,613,262 alleles (0.00019%); highest among the groups gnomAD compares: Admixed American, 0.005%; no homozygotes.

Submissions (2):

Labcorp Genetics (formerly Invitae), Labcorp
Classification: Uncertain significance. Last evaluated: 2022-04-07. Review status: criteria provided, single submitter. Criteria: Invitae Variant Classification Sherloc (09022015). Collection method: clinical testing. Allele origin: germline.
Comment: This sequence change replaces serine, which is neutral and polar, with isoleucine, which is neutral and non-polar, at codon 1422 of the MYH7B protein (p.Ser1422Ile). This variant is present in population databases (rs760285059, gnomAD 0.009%). This variant has not been reported in the literature in individuals affected with MYH7B-related conditions. Algorithms developed to predict the effect of missense changes on protein structure and function are either unavailable or do not agree on the potential impact of this missense change (SIFT: "Deleterious"; PolyPhen-2: "Benign"; Align-GVGD: "Class C65"). In summary, the available evidence is currently insufficient to determine the role of this variant in disease. Therefore, it has been classified as a Variant of Uncertain Significance.

Ambry Genetics
Classification: Uncertain significance. Last evaluated: 2022-03-21. Review status: criteria provided, single submitter. Criteria: Ambry Variant Classification Scheme 2023. Collection method: clinical testing. Allele origin: germline.

NM_020884.7(MYH7B):c.4139G>T (p.Ser1380Ile)

Gene: MYH7B (myosin heavy chain 7B; plus strand). Cytogenetic location: 20q11.22.
Variant type: single nucleotide variant.
Coding change: c.4139G>T on transcript NM_020884.7 (MANE Select); coding-DNA position 4139, G replaced by T.
Protein change: p.Ser1380Ile; replaces serine 1380 with isoleucine.
Molecular consequence: missense variant.
Genome position (GRCh38, 1-based): chr20:34,998,864, G>T. VCF-style: chr20-34998864-G-T. GRCh37 (hg19) VCF-style: chr20-33586667-G-T.
Other names: c.4265G>T (NM_020884.3); short protein forms S1380I.
Identifiers: ClinVar variation 2279173 (VCV002279173.8), dbSNP rs760285059, ClinGen allele CA9828005.